The following is an entry in ClinVar:

ClinVar aggregate classification (germline): Uncertain significance (1 of 4 stars; one submission).

Allele frequency attached by ClinVar (database versions not stated): TOPMed below 0.00001; gnomAD 0.00001.
gnomAD v4.1: 1 of 1,613,742 alleles (0.000062%); highest among the groups gnomAD compares: Non-Finnish European, 0.000085%; no homozygotes.

Submission:

Labcorp Genetics (formerly Invitae), Labcorp
Classification: Uncertain significance. Last evaluated: 2024-04-19. Review status: criteria provided, single submitter. Criteria: Invitae Variant Classification Sherloc (09022015). Collection method: clinical testing. Allele origin: germline.
Comment: This sequence change replaces arginine, which is basic and polar, with glycine, which is neutral and non-polar, at codon 58 of the DPH5 protein (p.Arg58Gly). This variant is present in population databases (no rsID available, gnomAD 0.007%). This variant has not been reported in the literature in individuals affected with DPH5-related conditions. An algorithm developed to predict the effect of missense changes on protein structure and function (PolyPhen-2) suggests that this variant is likely to be disruptive. In summary, the available evidence is currently insufficient to determine the role of this variant in disease. Therefore, it has been classified as a Variant of Uncertain Significance.

NM_015958.3(DPH5):c.172A>G (p.Arg58Gly)

Gene: DPH5 (diphthamide biosynthesis 5; minus strand). Cytogenetic location: 1p21.2.
Variant type: single nucleotide variant.
Coding change: c.172A>G on transcript NM_015958.3 (MANE Select); coding-DNA position 172, A replaced by G.
Protein change: p.Arg58Gly; replaces arginine 58 with glycine.
Molecular consequence: missense variant.
Genome position (GRCh38, 1-based): chr1:101,021,729, T>C on the plus strand (A>G on the coding strand, the complement: DPH5 is on the minus strand). VCF-style: chr1-101021729-T-C. GRCh37 (hg19) VCF-style: chr1-101487285-T-C.
Other names: c.172A>G, p.Arg58Gly (NM_001077394.2, NM_001077395.2); short protein forms R58G.
Identifiers: ClinVar variation 2693364 (VCV002693364.3), dbSNP rs1456803031, ClinGen allele CA341203792.
Genomic context (GRCh38, chr1:101,021,729, plus strand): 5'-CAACATCACTGATATCAGCATCCTTTAAAATATTATCTGCTTCTTGTTCCACTTCTTCTC[T>C]ATCAGCAACAACCAATTTTCTTCCATAAAACTCTTCCTACAGATATAAGTCCAATATCAA-3'
Protein context (NP_057042.2, residues 48-68): FYGRKLVVAD[Arg58Gly]EEVEQEADNI